The following is an entry in ClinVar:

ClinVar aggregate classification (germline): Pathogenic/Likely pathogenic. Review status: criteria provided, multiple submitters, no conflicts (2 of 4 stars). 2 submissions from 2 submitters: Pathogenic (1); Likely pathogenic (1). Last evaluated 2024-10-11.

Conditions:
Leber congenital amaurosis 8 (LCA8). Identifiers: Orphanet 65, MedGen C3151202, MONDO:0013453, OMIM 613835.
Retinitis pigmentosa 12 (RP12). Also called: RP WITH OR WITHOUT PPRPE; RP WITH OR WITHOUT PRESERVED PARAARTERIOLE RETINAL PIGMENT EPITHELIUM; RETINITIS PIGMENTOSA WITH OR WITHOUT PARAARTERIOLAR PRESERVATION OF RETINAL PIGMENT EPITHELIUM. Identifiers: Orphanet 791, MedGen C1838647, MONDO:0010818, OMIM 600105.
CRB1-related disorder. Also called: CRB1-related disorders; CRB1-related condition.

Submissions (2):

Blueprint Genetics
Classification: Likely pathogenic for CRB1-related disorders. Last evaluated: 2024-10-11. Review status: criteria provided, single submitter. Criteria: ACMG Guidelines, 2015. Collection method: clinical testing. Allele origin: germline. Affected: yes. Observed: 2 variant alleles.

Labcorp Genetics (formerly Invitae), Labcorp
Classification: Pathogenic for Leber congenital amaurosis 8; Retinitis pigmentosa 12. Last evaluated: 2022-07-30. Review status: criteria provided, single submitter. Criteria: Invitae Variant Classification Sherloc (09022015). Collection method: clinical testing. Allele origin: germline.
Comment: For these reasons, this variant has been classified as Pathogenic. This variant has not been reported in the literature in individuals affected with CRB1-related conditions. This variant is not present in population databases (gnomAD no frequency). This sequence change creates a premature translational stop signal (p.Asn986Glufs*3) in the CRB1 gene. It is expected to result in an absent or disrupted protein product. Loss-of-function variants in CRB1 are known to be pathogenic (PMID: 10508521, 22065545, 23379534, 25412400, 26957898, 28041643, 29391521).

Literature cited by the submitters: PubMed 10508521 (cited by Labcorp Genetics (formerly Invitae), Labcorp); PubMed 22065545 (cited by Labcorp Genetics (formerly Invitae), Labcorp); PubMed 23379534 (cited by Labcorp Genetics (formerly Invitae), Labcorp); PubMed 25412400 (cited by Labcorp Genetics (formerly Invitae), Labcorp); PubMed 26957898 (cited by Labcorp Genetics (formerly Invitae), Labcorp); PubMed 28041643 (cited by Labcorp Genetics (formerly Invitae), Labcorp); PubMed 29391521 (cited by Labcorp Genetics (formerly Invitae), Labcorp).

NM_201253.3(CRB1):c.2955_2956insGA (p.Asn986fs)

Gene: CRB1 (crumbs cell polarity complex component 1; plus strand). Cytogenetic location: 1q31.3.
Variant type: Insertion.
Coding change: c.2955_2956insGA on transcript NM_201253.3 (MANE Select); coding-DNA positions 2955 to 2956, GA inserted.
Protein change: p.Asn986fs; shifts the reading frame from asparagine 986.
Molecular consequence: frameshift variant. On other transcripts: non-coding transcript variant (2), intron variant (1).
Genome position: GRCh38 VCF-style: chr1-197434817-C-CAG. GRCh37 (hg19) VCF-style: chr1-197403947-C-CAG.
Other names: c.2619_2620insGA, p.Asn874fs (NM_001193640.2); c.2883_2884insGA, p.Asn962fs (NM_001257965.2); c.2129-782_2129-781insGA (NM_001257966.2); short protein forms N986fs, N874fs, N962fs.
Identifiers: ClinVar variation 2182565 (VCV002182565.5), dbSNP rs2528196636, ClinGen allele CA2580061837.
Genomic context (GRCh38, chr1:197,434,817, plus strand): 5'-GCAATGGGAATATTACCAGAGAACTCACCAATATCACATTTGGTTTCAGAACAAGGGATG[C>CAG]AAATGTAATAATATTGCATGCAGAAAAAGAGCCTGAATTTCTTAATATTAGCATTCAAGA-3'